The following is an entry in ClinVar:

NM_020719.3(PRR12):c.5435G>T (p.Gly1812Val)

Gene: PRR12 (proline rich 12; plus strand). Cytogenetic location: 19q13.33.
Variant type: single nucleotide variant.
Coding change: c.5435G>T on transcript NM_020719.3 (MANE Select); coding-DNA position 5435, G replaced by T.
Protein change: p.Gly1812Val; replaces glycine 1812 with valine.
Molecular consequence: missense variant.
Genome position (GRCh38, 1-based): chr19:49,616,157, G>T. VCF-style: chr19-49616157-G-T. GRCh37 (hg19) VCF-style: chr19-50119414-G-T.
Other names: short protein forms G1812V.
Identifiers: ClinVar variation 5008551 (VCV005008551.1).

ClinVar aggregate classification (germline): Uncertain significance (1 of 4 stars; one submission).

Submission:

GeneDx
Classification: Uncertain significance. Last evaluated: 2026-03-04. Review status: criteria provided, single submitter. Criteria: GeneDx Variant Classification Process June 2021. Collection method: clinical testing. Allele origin: germline.
Comment: Not observed at significant frequency in large population cohorts (gnomAD); In silico analysis suggests that this missense variant does not alter protein structure/function; Has not been previously published as pathogenic or benign to our knowledge